The following is an entry in ClinVar:

ClinVar aggregate classification (germline): Uncertain significance (1 of 4 stars; one submission).

gnomAD v4.1: 2 of 1,614,000 alleles (0.00012%); highest among the groups gnomAD compares: Non-Finnish European, 0.000085%; no homozygotes.

Submission:

GeneDx
Classification: Uncertain significance. Last evaluated: 2021-03-08. Review status: criteria provided, single submitter. Criteria: GeneDx Variant Classification Process June 2021. Collection method: clinical testing. Allele origin: germline. Affected: yes.
Comment: Not observed in large population cohorts (Lek et al., 2016); In silico analysis supports that this missense variant has a deleterious effect on protein structure/function; Has not been previously published as pathogenic or benign to our knowledge

NM_001330078.2(NRXN1):c.3943G>C (p.Asp1315His)

Gene: NRXN1 (neurexin 1; minus strand). Cytogenetic location: 2p16.3.
Variant type: single nucleotide variant.
Coding change: c.3943G>C on transcript NM_001330078.2 (MANE Select); coding-DNA position 3943, G replaced by C.
Protein change: p.Asp1315His; replaces aspartic acid 1315 with histidine.
Molecular consequence: missense variant.
Genome position (GRCh38, 1-based): chr2:50,053,456, C>G on the plus strand (G>C on the coding strand, the complement: NRXN1 is on the minus strand). VCF-style: chr2-50053456-C-G. GRCh37 (hg19) VCF-style: chr2-50280594-C-G.
Other names: c.4063G>C, p.Asp1355His (NM_001135659.3); c.3919G>C, p.Asp1307His (NM_001330077.2, NM_001330082.2); c.3787G>C, p.Asp1263His (NM_001330083.2); c.3877G>C, p.Asp1293His (NM_001330084.2); c.3916G>C, p.Asp1306His (NM_001330085.2); c.3943G>C, p.Asp1315His (NM_001330086.2); c.3742G>C, p.Asp1248His (NM_001330087.2, NM_001330096.2); c.3772G>C, p.Asp1258His (NM_001330088.2); and 6 more; short protein forms D1248H, D1258H, D1263H, D1268H, D1285H, D1293H, D1306H, D1307H.
Identifiers: ClinVar variation 1318687 (VCV001318687.2), dbSNP rs1379894660, ClinGen allele CA346819717.
Genomic context (GRCh38, chr2:50,053,456, plus strand): 5'-TCATAGAGGAAGGCACTTCACCAACCAGTCTCACATTTCCCACTATGGCGATGTTGGCAT[C>G]GTTTTCGGCTGCCATATTCAGAACTTTCAAGCCATTGTAGTACAGCCCAGAGAGCTGGCC-3'
Protein context (NP_001317007.1, residues 1305-1325): LKVLNMAAEN[Asp1315His]ANIAIVGNVR